The following is an entry in ClinVar:

NM_019066.5(MAGEL2):c.1676C>T (p.Pro559Leu)

Gene: MAGEL2 (MAGE family member L2; minus strand). Cytogenetic location: 15q11.2.
Variant type: single nucleotide variant.
Coding change: c.1676C>T on transcript NM_019066.5 (MANE Select); coding-DNA position 1676, C replaced by T.
Protein change: p.Pro559Leu; replaces proline 559 with leucine.
Molecular consequence: missense variant.
Genome position (GRCh38, 1-based): chr15:23,646,067, G>A on the plus strand (C>T on the coding strand, the complement: MAGEL2 is on the minus strand). VCF-style: chr15-23646067-G-A. GRCh37 (hg19) VCF-style: chr15-23891214-G-A.
Other names: c.1676C>T (NM_019066.4); short protein forms P559L.
Identifiers: ClinVar variation 2178646 (VCV002178646.5), dbSNP rs1192724337, ClinGen allele CA391333556.
Genomic context (GRCh38, chr15:23,646,067, plus strand): 5'-GCCTGCGGGGCAGACAGTGGGGCAGACAGCGGGGCCGGCAGCACAGGCTGGGGCACCTGC[G>A]GGCCAGCGGGCGGCGCCGCGGGTACCTGCGTAGCAGGTGGGGCCGTAGGCACCTGCGGCG-3'
Protein context (NP_061939.3, residues 549-569): TQVPAAPPAG[Pro559Leu]QVPQPVLPAP

ClinVar aggregate classification (germline): Uncertain significance. Review status: criteria provided, multiple submitters, no conflicts (2 of 4 stars). 2 submissions from 2 submitters: Uncertain significance (2). Last evaluated 2025-12-23.

Conditions:
MAGEL2-related disorder. Also called: MAGEL2-related condition.

Allele frequency attached by ClinVar (database versions not stated): TOPMed 0.00002; gnomAD 0.00003.
gnomAD v4.1: 50 of 1,495,462 alleles (0.0033%); highest among the groups gnomAD compares: Non-Finnish European, 0.0042%; no homozygotes.

Submissions (2):

PreventionGenetics, part of Exact Sciences
Classification: Uncertain significance for MAGEL2-related condition. Last evaluated: 2025-12-23. Review status: criteria provided, single submitter. Criteria: ACMG Guidelines, 2015. Collection method: clinical testing. Allele origin: germline.
Comment: The MAGEL2 c.1676C>T variant is predicted to result in the amino acid substitution p.Pro559Leu. To our knowledge, this variant has not been reported in the literature. This variant is reported in 0.0055% of alleles in individuals of Latino descent in gnomAD. At this time, the clinical significance of this variant is uncertain due to the absence of conclusive functional and genetic evidence.

Labcorp Genetics (formerly Invitae), Labcorp
Classification: Uncertain significance. Last evaluated: 2024-04-01. Review status: criteria provided, single submitter. Criteria: Invitae Variant Classification Sherloc (09022015). Collection method: clinical testing. Allele origin: germline.
Comment: This sequence change replaces proline, which is neutral and non-polar, with leucine, which is neutral and non-polar, at codon 559 of the MAGEL2 protein (p.Pro559Leu). This variant is present in population databases (no rsID available, gnomAD 0.006%). This variant has not been reported in the literature in individuals affected with MAGEL2-related conditions. ClinVar contains an entry for this variant (Variation ID: 2178646). Advanced modeling of protein sequence and biophysical properties (such as structural, functional, and spatial information, amino acid conservation, physicochemical variation, residue mobility, and thermodynamic stability) performed at Invitae indicates that this missense variant is not expected to disrupt MAGEL2 protein function with a negative predictive value of 80%. In summary, the available evidence is currently insufficient to determine the role of this variant in disease. Therefore, it has been classified as a Variant of Uncertain Significance.